The following is an entry in ClinVar:

ClinVar aggregate classification (germline): Uncertain significance (1 of 4 stars; one submission).

Conditions:
Polyglandular autoimmune syndrome, type 1 (APS1). Also called: Autoimmune polyendocrinopathy syndrome , type I, with or without reversible metaphyseal dysplasia; Autoimmune polyendocrine syndrome type 1; AUTOIMMUNE POLYENDOCRINE SYNDROME, TYPE I, WITH OR WITHOUT REVERSIBLE METAPHYSEAL DYSPLASIA; APS I; HYPOADRENOCORTICISM WITH HYPOPARATHYROIDISM AND SUPERFICIAL MONILIASIS; Autoimmune polyendocrinopathy syndrome, type I. Identifiers: Orphanet 3453, MedGen C0085859, MONDO:0009411, OMIM 240300.

gnomAD v4.1: 1 of 1,612,802 alleles (0.000062%); no homozygotes.

Submission:

Labcorp Genetics (formerly Invitae), Labcorp
Classification: Uncertain significance for Polyglandular autoimmune syndrome, type 1. Last evaluated: 2024-02-17. Review status: criteria provided, single submitter. Criteria: Invitae Variant Classification Sherloc (09022015). Collection method: clinical testing. Allele origin: germline.
Comment: This sequence change replaces serine, which is neutral and polar, with tyrosine, which is neutral and polar, at codon 239 of the AIRE protein (p.Ser239Tyr). This variant is not present in population databases (gnomAD no frequency). This variant has not been reported in the literature in individuals affected with AIRE-related conditions. ClinVar contains an entry for this variant (Variation ID: 1057385). Advanced modeling of protein sequence and biophysical properties (such as structural, functional, and spatial information, amino acid conservation, physicochemical variation, residue mobility, and thermodynamic stability) performed at Invitae indicates that this missense variant is not expected to disrupt AIRE protein function with a negative predictive value of 95%. In summary, the available evidence is currently insufficient to determine the role of this variant in disease. Therefore, it has been classified as a Variant of Uncertain Significance.

NM_000383.4(AIRE):c.716C>A (p.Ser239Tyr)

Gene: AIRE (autoimmune regulator; plus strand). Cytogenetic location: 21q22.3.
Variant type: single nucleotide variant.
Coding change: c.716C>A on transcript NM_000383.4 (MANE Select); coding-DNA position 716, C replaced by A.
Protein change: p.Ser239Tyr; replaces serine 239 with tyrosine.
Molecular consequence: missense variant.
Genome position (GRCh38, 1-based): chr21:44,289,720, C>A. VCF-style: chr21-44289720-C-A. GRCh37 (hg19) VCF-style: chr21-45709603-C-A.
Other names: short protein forms S239Y.
Identifiers: ClinVar variation 1057385 (VCV001057385.8), dbSNP rs2146379236, ClinGen allele CA410424434.
Genomic context (GRCh38, chr21:44,289,720, plus strand): 5'-GCTCCAAGAAGTGCATCCAGGTTGGCGGGGAGTTCTACACTCCCAGCAAGTTCGAAGACT[C>A]CGGCAGTGGGAAGAACAAGGCCCGCAGCAGCAGTGGCCCGAAGCCTCTGGTTCGAGCCAA-3'
Protein context (NP_000374.1, residues 229-249): EFYTPSKFED[Ser239Tyr]GSGKNKARSS